The following is an entry in ClinVar:

NM_000260.4(MYO7A):c.5835_5836del (p.Phe1946fs)

Gene: MYO7A (myosin VIIA; plus strand). Cytogenetic location: 11q13.5.
Variant type: Microsatellite.
Coding change: c.5835_5836del on transcript NM_000260.4 (MANE Select); coding-DNA positions 5835 to 5836, 2 bases deleted (CT; older notation c.5835_5836delCT).
Protein change: p.Phe1946fs; shifts the reading frame from phenylalanine 1946.
Molecular consequence: frameshift variant.
Genome position (GRCh38, 1-based): chr11:77,207,381-77,207,382, CT deleted; deleting any 2 consecutive bases within chr11:77,207,379-77,207,382 gives the same sequence; the c. name uses the placement nearest the transcript's 3' end. VCF-style (leftmost placement, unchanged base first): chr11-77207378-CCT-C. GRCh37 (hg19) VCF-style: chr11-76918423-CCT-C.
Other names: c.5721_5722del, p.Phe1908fs (NM_001127180.2); c.5688_5689del, p.Phe1897fs (NM_001369365.1); short protein forms F1946fs, F1897fs, F1908fs.
Identifiers: ClinVar variation 2106521 (VCV002106521.4), dbSNP rs2497737602, ClinGen allele CA2580616396.

ClinVar aggregate classification (germline): Pathogenic (1 of 4 stars; one submission).

Submission:

Labcorp Genetics (formerly Invitae), Labcorp
Classification: Pathogenic. Last evaluated: 2022-08-16. Review status: criteria provided, single submitter. Criteria: Invitae Variant Classification Sherloc (09022015). Collection method: clinical testing. Allele origin: germline.
Comment: For these reasons, this variant has been classified as Pathogenic. This variant has not been reported in the literature in individuals affected with MYO7A-related conditions. This variant is not present in population databases (gnomAD no frequency). This sequence change creates a premature translational stop signal (p.Phe1946Cysfs*12) in the MYO7A gene. It is expected to result in an absent or disrupted protein product. Loss-of-function variants in MYO7A are known to be pathogenic (PMID: 8900236, 25404053).

Literature cited by the submitters: PubMed 8900236; PubMed 25404053.